The following is an entry in ClinVar:

ClinVar aggregate classification (germline): Uncertain significance (1 of 4 stars; one submission).

Submission:

Labcorp Genetics (formerly Invitae), Labcorp
Classification: Uncertain significance. Last evaluated: 2022-03-10. Review status: criteria provided, single submitter. Criteria: Invitae Variant Classification Sherloc (09022015). Collection method: clinical testing. Allele origin: germline.
Comment: In summary, the available evidence is currently insufficient to determine the role of this variant in disease. Therefore, it has been classified as a Variant of Uncertain Significance. Algorithms developed to predict the effect of missense changes on protein structure and function are either unavailable or do not agree on the potential impact of this missense change (SIFT: "Deleterious"; PolyPhen-2: "Benign"; Align-GVGD: "Class C0"). ClinVar contains an entry for this variant (Variation ID: 1018836). This variant has not been reported in the literature in individuals affected with PEX11B-related conditions. This variant is not present in population databases (gnomAD no frequency). This sequence change replaces glycine, which is neutral and non-polar, with glutamic acid, which is acidic and polar, at codon 161 of the PEX11B protein (p.Gly161Glu).

NM_003846.3(PEX11B):c.482G>A (p.Gly161Glu)

Gene: PEX11B (peroxisomal biogenesis factor 11 beta; minus strand). Cytogenetic location: 1q21.1.
Variant type: single nucleotide variant.
Coding change: c.482G>A on transcript NM_003846.3 (MANE Select); coding-DNA position 482, G replaced by A.
Protein change: p.Gly161Glu; replaces glycine 161 with glutamic acid.
Molecular consequence: missense variant. On other transcripts: non-coding transcript variant (3).
Genome position (GRCh38, 1-based): chr1:145,912,459, C>T on the plus strand (G>A on the coding strand, the complement: PEX11B is on the minus strand). VCF-style: chr1-145912459-C-T. GRCh37 (hg19) VCF-style: chr1-145522621-G-A.
Other names: c.440G>A, p.Gly147Glu (NM_001184795.1); short protein forms G147E, G161E.
Identifiers: ClinVar variation 1018836 (VCV001018836.8), dbSNP rs1553753295, ClinGen allele CA342121356.